The following is an entry in ClinVar:

NM_001374385.1(ATP8B1):c.3151C>A (p.Pro1051Thr)

Genes: ATP8B1 (ATPase phospholipid transporting 8B1; minus strand), ATP8B1-AS1 (ATP8B1 antisense RNA 1; plus strand). Cytogenetic location: 18q21.31.
Variant type: single nucleotide variant.
Coding change: c.3151C>A on transcript NM_001374385.1 (MANE Select); coding-DNA position 3151, C replaced by A.
Protein change: p.Pro1051Thr; replaces proline 1051 with threonine.
Molecular consequence: missense variant.
Genome position (GRCh38, 1-based): chr18:57,652,594, G>T on the plus strand (C>A on the coding strand, the complement: ATP8B1 is on the minus strand). VCF-style: chr18-57652594-G-T. GRCh37 (hg19) VCF-style: chr18-55319826-G-T.
Other names: c.3001C>A, p.Pro1001Thr (NM_001374386.1); c.3151C>A, p.Pro1051Thr (NM_005603.6); c.3151C>A (NM_005603.4); short protein forms P1051T, P1001T.
Identifiers: ClinVar variation 596558 (VCV000596558.6), dbSNP rs370876900, ClinGen allele CA8974074.
Genomic context (GRCh38, chr18:57,652,594, plus strand): 5'-ACTGGTAGTCGGAAGGTGCCTCTCCATCCTGCCCTACGGTTTGCAGATAAGCTCCAAGAG[G>T]TATGAAGAAGAGGATCATCGATGTTAGGACCCCATGCAACAAGCTTACAAAGAATCTCTT-3'
Protein context (NP_001361314.1, residues 1041-1061): VLTSMILFFI[Pro1051Thr]LGAYLQTVGQ

ClinVar aggregate classification (germline): Uncertain significance. Review status: criteria provided, multiple submitters, no conflicts (2 of 4 stars). 2 submissions from 2 submitters: Uncertain significance (2). Last evaluated 2025-11-05.

Conditions:
Inborn genetic diseases. Identifiers: MedGen C0950123, MeSH D030342.

gnomAD v4.1: 10 of 1,614,186 alleles (0.00062%); highest among the groups gnomAD compares: Non-Finnish European, 0.00076%; no homozygotes.

Submissions (2):

Ambry Genetics
Classification: Uncertain significance for Inborn genetic diseases. Last evaluated: 2025-11-05. Review status: criteria provided, single submitter. Criteria: Ambry Variant Classification Scheme 2023. Collection method: clinical testing. Allele origin: germline.
Comment: The c.3151C>A (p.P1051T) alteration is located in exon 25 (coding exon 24) of the ATP8B1 gene. This alteration results from a C to A substitution at nucleotide position 3151, causing the proline (P) at amino acid position 1051 to be replaced by a threonine (T). Based on data from gnomAD, the A allele has an overall frequency of 0.001% (2/251424) total alleles studied. The highest observed frequency was 0.016% (1/6140) of Other alleles. Based on insufficient or conflicting evidence, the clinical significance of this alteration remains unclear.

Eurofins Ntd Llc (ga)
Classification: Uncertain significance. Last evaluated: 2018-03-16. Review status: criteria provided, single submitter. Criteria: EGL ClinVar v180209 classification definitions. Collection method: clinical testing. Allele origin: germline. Observed: 1 variant allele, 1 heterozygote.